The following is an entry in ClinVar:

ClinVar aggregate classification (germline): Benign. Review status: criteria provided, multiple submitters, no conflicts (2 of 4 stars). 2 submissions from 2 submitters: Benign (2). Last evaluated 2018-01-12.

Conditions:
Premature ovarian failure 2B. Identifiers: MedGen C1845105, MONDO:0010373, OMIM 300604.

Allele frequency attached by ClinVar (database versions not stated): gnomAD exomes 0.01213 and 0.03653; ExAC 0.04721; gnomAD 0.08491 and 0.08953; TOPMed 0.09692; 1000 Genomes Project 0.09775; 1000 Genomes Project 30x 0.09802; ESP Exome Variant Server 0.10369.

Submissions (2):

Illumina Laboratory Services, Illumina
Classification: Benign for Premature ovarian failure 2B. Last evaluated: 2018-01-12. Review status: criteria provided, single submitter. Criteria: ICSL Variant Classification Criteria 13 December 2019. Collection method: clinical testing. Allele origin: germline.
Comment: This variant was observed in the ICSL laboratory as part of a predisposition screen in an ostensibly healthy population. It had not been previously curated by ICSL or reported in the Human Gene Mutation Database (HGMD: prior to June 1st, 2018), and was therefore a candidate for classification through an automated scoring system. Utilizing variant allele frequency, disease prevalence and penetrance estimates, and inheritance mode, an automated score was calculated to assess if this variant is too frequent to cause the disease. Based on the score and internal cut-off values, a variant classified as benign is not then subjected to further curation. The score for this variant resulted in a classification of benign for this disease.

Breakthrough Genomics
Classification: Benign. Review status: criteria provided, single submitter. Criteria: ACMG Guidelines, 2015. Collection method: not provided. Allele origin: germline. Inheritance: X-linked inheritance. Affected: yes.

NM_024921.4(POF1B):c.1572C>G (p.Leu524=)

Gene: POF1B (POF1B actin binding protein; minus strand). Cytogenetic location: Xq21.1.
Variant type: single nucleotide variant.
Coding change: c.1572C>G on transcript NM_024921.4 (MANE Select); coding-DNA position 1572, C replaced by G.
Protein change: p.Leu524=; no amino-acid change (leucine 524 retained).
Molecular consequence: synonymous variant.
Genome position (GRCh38, 1-based): chrX:85,303,483, G>C on the plus strand (C>G on the coding strand, the complement: POF1B is on the minus strand). VCF-style: chrX-85303483-G-C. GRCh37 (hg19) VCF-style: chrX-84558489-G-C.
Other names: c.1572C>G, p.Leu524= (NM_001307940.2).
Identifiers: ClinVar variation 368783 (VCV000368783.6), dbSNP rs363754, ClinGen allele CA10464933.